The following is an entry in ClinVar:

ClinVar aggregate classification (germline): Uncertain significance (1 of 4 stars; one submission).

Conditions:
ARHGAP31-related disorder. Also called: ARHGAP31-related condition.

gnomAD v4.1: 2 of 1,614,132 alleles (0.00012%); highest among the groups gnomAD compares: Non-Finnish European, 0.00017%; no homozygotes.

Submission:

PreventionGenetics, part of Exact Sciences
Classification: Uncertain significance for ARHGAP31-related condition. Last evaluated: 2025-08-04. Review status: criteria provided, single submitter. Criteria: ACMG Guidelines, 2015. Collection method: clinical testing. Allele origin: germline.
Comment: The ARHGAP31 c.502C>T variant is predicted to result in the amino acid substitution p.Arg168Trp. To our knowledge, this variant has not been reported in the literature. This variant is absent in a large population database (gnomAD), indicating this variant is rare. At this time, the clinical significance of this variant is uncertain due to the absence of conclusive functional and genetic evidence.

NM_020754.4(ARHGAP31):c.502C>T (p.Arg168Trp)

Gene: ARHGAP31 (Rho GTPase activating protein 31; plus strand). Cytogenetic location: 3q13.33.
Variant type: single nucleotide variant.
Coding change: c.502C>T on transcript NM_020754.4 (MANE Select); coding-DNA position 502, C replaced by T.
Protein change: p.Arg168Trp; replaces arginine 168 with tryptophan.
Molecular consequence: missense variant.
Genome position (GRCh38, 1-based): chr3:119,382,362, C>T. VCF-style: chr3-119382362-C-T. GRCh37 (hg19) VCF-style: chr3-119101209-C-T.
Other names: short protein forms R168W.
Identifiers: ClinVar variation 4999656 (VCV004999656.1).
Genomic context (GRCh38, chr3:119,382,362, plus strand): 5'-TACCTGATTCGACACCTGGCCCATATCGCCTCCTTCAGCAGCAAGACCAACATGCACGCC[C>T]GGAACCTGGCCCTGGTGTGGGCGCCAAACCTCCTCAGGTAACCACTCTACCCTCCCCTTG-3'
Protein context (NP_065805.2, residues 158-178): SFSSKTNMHA[Arg168Trp]NLALVWAPNL